The following is an entry in ClinVar:

NM_001110556.2(FLNA):c.7802G>A (p.Cys2601Tyr)

Genes: FLNA (filamin A; minus strand), LOC107988032 (Xq28 proximal FLNA-EMD recombination region; plus strand). Cytogenetic location: Xq28.
Variant type: single nucleotide variant.
Coding change: c.7802G>A on transcript NM_001110556.2 (MANE Select); coding-DNA position 7802, G replaced by A.
Protein change: p.Cys2601Tyr; replaces cysteine 2601 with tyrosine.
Molecular consequence: missense variant.
Genome position (GRCh38, 1-based): chrX:154,348,991, C>T on the plus strand (G>A on the coding strand, the complement: FLNA is on the minus strand). VCF-style: chrX-154348991-C-T. GRCh37 (hg19) VCF-style: chrX-153577359-C-T.
Other names: c.7778G>A, p.Cys2593Tyr (NM_001456.4); short protein forms C2601Y, C2593Y.
Identifiers: ClinVar variation 405458 (VCV000405458.14), dbSNP rs1060500721, ClinGen allele CA16616644.

ClinVar aggregate classification (germline): Uncertain significance. Review status: criteria provided, multiple submitters, no conflicts (2 of 4 stars). 2 submissions from 2 submitters: Uncertain significance (2). Last evaluated 2025-02-10.

Conditions:
Heterotopia, periventricular, X-linked dominant (PVNH1). Also called: PERIVENTRICULAR NODULAR HETEROTOPIA 4; HETEROTOPIA, PERIVENTRICULAR, 1; PERIVENTRICULAR NODULAR HETEROTOPIA 1; X-linked periventricular heterotopia. Identifiers: Orphanet 2149, Orphanet 82004, MedGen C1848213, MONDO:0010233, OMIM 300049.
Oto-palato-digital syndrome, type II (OPD2). Also called: Otopalatodigital Syndrome, Type II; Otopalatodigital Syndrome Type 2 (FLNA-OPD2); FACIOPALATOOSSEOUS SYNDROME; OPD II SYNDROME. Identifiers: Orphanet 669, Orphanet 90652, MedGen C1844696, MONDO:0010571, OMIM 304120.
Frontometaphyseal dysplasia (FMD1). Identifiers: Orphanet 1826, MedGen C0265293, MONDO:0015942.
Melnick-Needles syndrome (MNS). Also called: Melnick-Needles Syndrome (FLNA-MNS); MELNICK-NEEDLES OSTEODYSPLASTY; OSTEODYSPLASTY OF MELNICK AND NEEDLES. Identifiers: Orphanet 2484, MedGen C0025237, MONDO:0010650, OMIM 309350.

Allele frequency attached by ClinVar (database versions not stated): TOPMed below 0.00001; gnomAD exomes 0.00001.
gnomAD v4.1: 9 of 1,211,409 alleles (0.00074%); highest among the groups gnomAD compares: Non-Finnish European, 0.00089%; no homozygotes.

Submissions (2):

Labcorp Genetics (formerly Invitae), Labcorp
Classification: Uncertain significance for Oto-palato-digital syndrome, type II; Heterotopia, periventricular, X-linked dominant; Frontometaphyseal dysplasia; Melnick-Needles syndrome. Last evaluated: 2025-02-10. Review status: criteria provided, single submitter. Criteria: Invitae Variant Classification Sherloc (09022015). Collection method: clinical testing. Allele origin: germline.
Comment: This sequence change replaces cysteine, which is neutral and slightly polar, with tyrosine, which is neutral and polar, at codon 2593 of the FLNA protein (p.Cys2593Tyr). This variant is not present in population databases (gnomAD no frequency). This variant has not been reported in the literature in individuals affected with FLNA-related conditions. ClinVar contains an entry for this variant (Variation ID: 405458). Invitae Evidence Modeling of protein sequence and biophysical properties (such as structural, functional, and spatial information, amino acid conservation, physicochemical variation, residue mobility, and thermodynamic stability) indicates that this missense variant is not expected to disrupt FLNA protein function with a negative predictive value of 95%. In summary, the available evidence is currently insufficient to determine the role of this variant in disease. Therefore, it has been classified as a Variant of Uncertain Significance.

ARUP Laboratories, Molecular Genetics and Genomics, ARUP Laboratories
Classification: Uncertain significance. Last evaluated: 2017-05-05. Review status: criteria provided, single submitter. Criteria: ARUP Molecular Germline Variant Investigation Process. Collection method: clinical testing. Allele origin: germline.
Comment: The p.Cys2593Tyr variant has not been reported in the medical literature or gene specific variation databases but it has been reported to ClinVar (Variation ID: 405458). It is absent from general population databases such as 1000 Genomes, NHLBI GO Exome Sequencing Project (ESP), and the Exome Aggregation Consortium (ExAC) browser. The cysteine at position 2593 is highly conserved, up to Tetraodon (considering 10 species, Alamut v.2.9.0) and computational analyses of the effects of the p.Cys2593Tyr variant on protein structure and function predict a deleterious effect (SIFT: damaging, MutationTaster: disease causing, PolyPhen-2: probably damaging). Altogether, there is not enough evidence to classify the p.Cys2593Tyr variant with certainty.